The following is an entry in ClinVar:

ClinVar aggregate classification (germline): Uncertain significance. Review status: criteria provided, multiple submitters, no conflicts (2 of 4 stars). 2 submissions from 2 submitters: Uncertain significance (2). Last evaluated 2024-12-22.

Allele frequency attached by ClinVar (database versions not stated): gnomAD 0.00001; TOPMed 0.00001; gnomAD exomes 0.00003.
gnomAD v4.1: 39 of 1,613,826 alleles (0.0024%); highest among the groups gnomAD compares: Non-Finnish European, 0.0031%; no homozygotes.

Submissions (2):

Ambry Genetics
Classification: Uncertain significance. Last evaluated: 2024-12-22. Review status: criteria provided, single submitter. Criteria: Ambry Variant Classification Scheme 2023. Collection method: clinical testing. Allele origin: germline.

Labcorp Genetics (formerly Invitae), Labcorp
Classification: Uncertain significance. Last evaluated: 2022-09-12. Review status: criteria provided, single submitter. Criteria: Invitae Variant Classification Sherloc (09022015). Collection method: clinical testing. Allele origin: germline.
Comment: In summary, the available evidence is currently insufficient to determine the role of this variant in disease. Therefore, it has been classified as a Variant of Uncertain Significance. Advanced modeling of protein sequence and biophysical properties (such as structural, functional, and spatial information, amino acid conservation, physicochemical variation, residue mobility, and thermodynamic stability) performed at Invitae indicates that this missense variant is expected to disrupt GLYCTK protein function. This variant has not been reported in the literature in individuals affected with GLYCTK-related conditions. This variant is present in population databases (no rsID available, gnomAD 0.0009%). This sequence change replaces alanine, which is neutral and non-polar, with threonine, which is neutral and polar, at codon 253 of the GLYCTK protein (p.Ala253Thr).

NM_145262.4(GLYCTK):c.757G>A (p.Ala253Thr)

Gene: GLYCTK (glycerate kinase; plus strand). Cytogenetic location: 3p21.2.
Variant type: single nucleotide variant.
Coding change: c.757G>A on transcript NM_145262.4 (MANE Select); coding-DNA position 757, G replaced by A.
Protein change: p.Ala253Thr; replaces alanine 253 with threonine.
Molecular consequence: missense variant. On other transcripts: non-coding transcript variant (3).
Genome position (GRCh38, 1-based): chr3:52,292,311, G>A. VCF-style: chr3-52292311-G-A. GRCh37 (hg19) VCF-style: chr3-52326327-G-A.
Other names: c.757G>A (NM_145262.3); c.581G>A, p.Cys194Tyr (NM_001144951.2); short protein forms C194Y, A253T.
Identifiers: ClinVar variation 2192695 (VCV002192695.5), dbSNP rs1482956241, ClinGen allele CA353073221.